The following is an entry in ClinVar:

ClinVar aggregate classification (germline): Uncertain significance. Review status: criteria provided, multiple submitters, no conflicts (2 of 4 stars). 2 submissions from 2 submitters: Uncertain significance (2). Last evaluated 2025-04-23.

Allele frequency attached by ClinVar (database versions not stated): gnomAD 0.00011; ExAC 0.00012; 1000 Genomes Project 30x 0.00016; gnomAD exomes 0.00018; 1000 Genomes Project 0.00020.
gnomAD v4.1: 276 of 1,613,456 alleles (0.017%); highest among the groups gnomAD compares: East Asian, 0.61%; 2 homozygotes.

Submissions (2):

Labcorp Genetics (formerly Invitae), Labcorp
Classification: Uncertain significance. Last evaluated: 2025-04-23. Review status: criteria provided, single submitter. Criteria: Invitae Variant Classification Sherloc (09022015). Collection method: clinical testing. Allele origin: germline.
Comment: This sequence change replaces alanine, which is neutral and non-polar, with aspartic acid, which is acidic and polar, at codon 60 of the APOA4 protein (p.Ala60Asp). This variant is present in population databases (rs13306173, gnomAD 0.09%), and has an allele count higher than expected for a pathogenic variant. This missense change has been observed in individual(s) with APOA4-related conditions (PMID: 36325899). ClinVar contains an entry for this variant (Variation ID: 1899495). An algorithm developed to predict the effect of missense changes on protein structure and function (PolyPhen-2) suggests that this variant is likely to be tolerated. In summary, the available evidence is currently insufficient to determine the role of this variant in disease. Therefore, it has been classified as a Variant of Uncertain Significance.

Ambry Genetics
Classification: Uncertain significance. Last evaluated: 2024-01-12. Review status: criteria provided, single submitter. Criteria: Ambry Variant Classification Scheme 2023. Collection method: clinical testing. Allele origin: germline.

Literature cited by the submitters: PubMed 36325899 (cited by Labcorp Genetics (formerly Invitae), Labcorp).

NM_000482.4(APOA4):c.179C>A (p.Ala60Asp)

Gene: APOA4 (apolipoprotein A4; minus strand). Cytogenetic location: 11q23.3.
Variant type: single nucleotide variant.
Coding change: c.179C>A on transcript NM_000482.4 (MANE Select); coding-DNA position 179, C replaced by A.
Protein change: p.Ala60Asp; replaces alanine 60 with aspartic acid.
Molecular consequence: missense variant.
Genome position (GRCh38, 1-based): chr11:116,821,879, G>T on the plus strand (C>A on the coding strand, the complement: APOA4 is on the minus strand). VCF-style: chr11-116821879-G-T. GRCh37 (hg19) VCF-style: chr11-116692595-G-T.
Other names: c.179C>A (NM_000482.3); short protein forms A60D.
Identifiers: ClinVar variation 1899495 (VCV001899495.6), dbSNP rs13306173, ClinGen allele CA6289491.